The following is an entry in ClinVar:

ClinVar aggregate classification (germline): Conflicting classifications of pathogenicity. Review status: criteria provided, conflicting classifications (1 of 4 stars). 5 submissions from 5 submitters: Uncertain significance (4); Likely benign (1). Last evaluated 2026-01-22.

Conditions:
Hyperphosphatasia with impaired intellectual development syndrome 1. Also called: GLYCOSYLPHOSPHATIDYLINOSITOL BIOSYNTHESIS DEFECT 2; MABRY SYNDROME; Hyperphosphatasia with intellectual disability syndrome 1. Identifiers: Orphanet 247262, MedGen C4551502, MONDO:0009398, OMIM 239300.

Allele frequency attached by ClinVar (database versions not stated): ESP Exome Variant Server 0.00008; TOPMed 0.00005; ExAC 0.00006; gnomAD exomes 0.00008; gnomAD 0.00009 and 0.00010.
gnomAD v4.1: 115 of 1,614,092 alleles (0.0071%); highest among the groups gnomAD compares: Middle Eastern, 0.016%; no homozygotes.

Submissions (5):

Labcorp Genetics (formerly Invitae), Labcorp
Classification: Uncertain significance. Last evaluated: 2026-01-22. Review status: criteria provided, single submitter. Criteria: Invitae Variant Classification Sherloc (09022015). Collection method: clinical testing. Allele origin: germline.
Comment: This sequence change replaces histidine, which is basic and polar, with arginine, which is basic and polar, at codon 143 of the PIGV protein (p.His143Arg). This variant is present in population databases (rs371892825, gnomAD 0.02%). This variant has not been reported in the literature in individuals affected with PIGV-related conditions. ClinVar contains an entry for this variant (Variation ID: 1319277). Invitae Evidence Modeling of protein sequence and biophysical properties (such as structural, functional, and spatial information, amino acid conservation, physicochemical variation, residue mobility, and thermodynamic stability) indicates that this missense variant is not expected to disrupt PIGV protein function with a negative predictive value of 95%. In summary, the available evidence is currently insufficient to determine the role of this variant in disease. Therefore, it has been classified as a Variant of Uncertain Significance.

Blueprint Genetics
Classification: Likely benign. Last evaluated: 2024-10-17. Review status: criteria provided, single submitter. Criteria: ACMG Guidelines, 2015. Collection method: clinical testing. Allele origin: germline.

Mayo Clinic Laboratories, Mayo Clinic
Classification: Uncertain significance. Last evaluated: 2023-03-30. Review status: criteria provided, single submitter. Criteria: ACMG Guidelines, 2015. Collection method: clinical testing. Allele origin: germline. Observed: 1 variant allele.
Comment: BP4, PM2

Institute for Clinical Genetics, University Hospital TU Dresden, University Hospital TU Dresden
Classification: Uncertain significance. Last evaluated: 2021-11-03. Review status: criteria provided, single submitter. Criteria: ACMG Guidelines, 2015. Collection method: clinical testing. Allele origin: germline.

Revvity Omics, Revvity
Classification: Uncertain significance for Hyperphosphatasia with impaired intellectual development syndrome 1. Last evaluated: 2019-04-12. Review status: criteria provided, single submitter. Criteria: ACMG Guidelines, 2015. Collection method: clinical testing. Allele origin: germline.

NM_017837.4(PIGV):c.428A>G (p.His143Arg)

Gene: PIGV (phosphatidylinositol glycan anchor biosynthesis class V; plus strand). Cytogenetic location: 1p36.11.
Variant type: single nucleotide variant.
Coding change: c.428A>G on transcript NM_017837.4 (MANE Select); coding-DNA position 428, A replaced by G.
Protein change: p.His143Arg; replaces histidine 143 with arginine.
Molecular consequence: missense variant. On other transcripts: intron variant (3), non-coding transcript variant (1).
Genome position (GRCh38, 1-based): chr1:26,794,462, A>G. VCF-style: chr1-26794462-A-G. GRCh37 (hg19) VCF-style: chr1-27120953-A-G.
Other names: p.His143Arg; c.428A>G (NM_017837.3); c.79-3101A>G (NM_001374486.1); c.172+256A>G (NM_001374485.1, NM_001374484.1); c.428A>G, p.His143Arg (NM_001202554.2, NM_001374478.1, NM_001374480.1 and 2 more transcripts); c.47A>G, p.His16Arg (NM_001374483.1); short protein forms H143R, H16R.
Identifiers: ClinVar variation 1319277 (VCV001319277.12), dbSNP rs371892825, ClinGen allele CA708054.